The following is an entry in ClinVar:

ClinVar aggregate classification (germline): Uncertain significance (1 of 4 stars; one submission).

Allele frequency attached by ClinVar (database versions not stated): gnomAD 0.00004 and 0.00003; TOPMed 0.00002; gnomAD exomes below 0.00001 and 0.00001.
gnomAD v4.1: 8 of 1,613,866 alleles (0.0005%); highest among the groups gnomAD compares: African/African-American, 0.0094%; no homozygotes.

Submission:

Laboratory for Molecular Medicine, Mass General Brigham Personalized Medicine
Classification: Uncertain significance. Last evaluated: 2013-09-09. Review status: criteria provided, single submitter. Criteria: LMM Criteria. Collection method: clinical testing. Allele origin: germline. Observed: 1 variant allele.
Comment: The Asn42Ser variant in NEBL has not been reported in individuals with cardiomyo pathy or in large population studies. Computational analyses are limited or unav ailable for this variant. Additional information is needed to fully assess the c linical significance this variant.

NM_213569.2(NEBL):c.125A>G (p.Asn42Ser)

Gene: NEBL (nebulette; minus strand). Cytogenetic location: 10p12.31.
Variant type: single nucleotide variant.
Coding change: c.125A>G on transcript NM_213569.2; coding-DNA position 125, A replaced by G.
Protein change: p.Asn42Ser; replaces asparagine 42 with serine.
Molecular consequence: missense variant.
Genome position (GRCh38, 1-based): chr10:21,172,422, T>C on the plus strand (A>G on the coding strand, the complement: NEBL is on the minus strand). VCF-style: chr10-21172422-T-C. GRCh37 (hg19) VCF-style: chr10-21461351-T-C.
Other names: c.125A>G, p.Asn42Ser (NM_001173484.2, NM_001377322.1); c.77A>G, p.Asn26Ser (NM_001377323.1); c.68A>G, p.Asn23Ser (NM_001377324.1); c.59A>G, p.Asn20Ser (NM_001377325.1); c.17A>G, p.Asn6Ser (NM_001377326.1, NM_001377327.1, NM_001377328.1); short protein forms N42S, N23S, N26S, N6S, N20S.
Identifiers: ClinVar variation 164777 (VCV000164777.6), dbSNP rs727503340, ClinGen allele CA177477.